The following is an entry in ClinVar:

NM_001042492.3(NF1):c.3505dup (p.Tyr1169fs)

Gene: NF1 (neurofibromin 1; plus strand). Cytogenetic location: 17q11.2.
Variant type: Duplication.
Coding change: c.3505dup on transcript NM_001042492.3 (MANE Select); coding-DNA position 3505, one base duplicated (T; older notation c.3505dupT).
Protein change: p.Tyr1169fs; shifts the reading frame from tyrosine 1169.
Molecular consequence: frameshift variant.
Genome position (GRCh38, 1-based): chr17:31,233,010, T duplicated; the last of 2 consecutive T bases (chr17:31,233,009-31,233,010); duplicating either gives the same sequence. VCF-style (leftmost placement, unchanged base first): chr17-31233008-G-GT. GRCh37 (hg19) VCF-style: chr17-29560026-G-GT.
Other names: c.3505dup, p.Tyr1169Leufs (NM_000267.4); short protein forms Y1169fs.
Identifiers: ClinVar variation 939099 (VCV000939099.6), dbSNP rs2067141195, ClinGen allele CA1139665338.

ClinVar aggregate classification (germline): Pathogenic (1 of 4 stars; one submission).

Conditions:
Neurofibromatosis, type 1 (NF1). Also called: Peripheral type neurofibromatosis; VON RECKLINGHAUSEN DISEASE; Neurofibromatosis, type I; NEUROFIBROMATOSIS, TYPE I, SOMATIC. Identifiers: Orphanet 636, MedGen C0027831, MONDO:0018975, OMIM 162200. Disease mechanism: loss of function.

Submission:

Labcorp Genetics (formerly Invitae), Labcorp
Classification: Pathogenic for Neurofibromatosis, type 1. Last evaluated: 2019-09-21. Review status: criteria provided, single submitter. Criteria: Invitae Variant Classification Sherloc (09022015). Collection method: clinical testing. Allele origin: germline.
Comment: For these reasons, this variant has been classified as Pathogenic. Loss-of-function variants in NF1 are known to be pathogenic (PMID: 10712197, 23913538). This variant has not been reported in the literature in individuals with NF1-related conditions. This variant is not present in population databases (ExAC no frequency). This sequence change creates a premature translational stop signal (p.Tyr1169Leufs*26) in the NF1 gene. It is expected to result in an absent or disrupted protein product.

Literature cited by the submitters: PubMed 10712197; PubMed 23913538.